The following is an entry in ClinVar:

ClinVar aggregate classification (germline): Uncertain significance (1 of 4 stars; one submission).

Conditions:
Arrhythmogenic right ventricular dysplasia 9 (ARVD9). Also called: ARRHYTHMOGENIC RIGHT VENTRICULAR DYSPLASIA, FAMILIAL, 9; Arrhythmogenic Right Ventricular Dysplasia/Cardiomyopathy 9. Identifiers: MedGen C1836906, MONDO:0012180, OMIM 609040.

Submission:

Labcorp Genetics (formerly Invitae), Labcorp
Classification: Uncertain significance for Arrhythmogenic right ventricular dysplasia 9. Last evaluated: 2023-04-24. Review status: criteria provided, single submitter. Criteria: Invitae Variant Classification Sherloc (09022015). Collection method: clinical testing. Allele origin: germline.
Comment: This variant is not present in population databases (gnomAD no frequency). This sequence change creates a premature translational stop signal (p.Asp866Glufs*64) in the PKP2 gene. While this is not anticipated to result in nonsense mediated decay, it is expected to disrupt the last 16 amino acid(s) of the PKP2 protein. This variant has not been reported in the literature in individuals affected with PKP2-related conditions. ClinVar contains an entry for this variant (Variation ID: 960389). Experimental studies and prediction algorithms are not available or were not evaluated, and the functional significance of this variant is currently unknown. In summary, the available evidence is currently insufficient to determine the role of this variant in disease. Therefore, it has been classified as a Variant of Uncertain Significance.

NM_001005242.3(PKP2):c.2466_2469del (p.Asp822fs)

Gene: PKP2 (plakophilin 2; minus strand). Cytogenetic location: 12p11.21.
Variant type: Deletion.
Coding change: c.2466_2469del on transcript NM_001005242.3 (MANE Select); coding-DNA positions 2466 to 2469, 4 bases deleted (TTTT; older notation c.2466_2469delTTTT).
Protein change: p.Asp822fs; shifts the reading frame from aspartic acid 822.
Molecular consequence: frameshift variant.
Genome position (GRCh38, 1-based): chr12:32,792,469-32,792,472, AAAA deleted on the plus strand (TTTT on the coding strand, the reverse complement: PKP2 is on the minus strand). VCF-style (leftmost placement, unchanged base first): chr12-32792468-CAAAA-C. GRCh37 (hg19) VCF-style: chr12-32945402-CAAAA-C.
Other names: c.2598_2601del, p.Asp866fs (NM_004572.4); short protein forms D822fs, D866fs.
Identifiers: ClinVar variation 960389 (VCV000960389.7), dbSNP rs1956077836, ClinGen allele CA1139662552.
Genomic context (GRCh38, chr12:32,792,468, plus strand): 5'-TACTTTGTCATTTTCCTCAGTCTTTAAGGGAGTGGTAGGCTTTGGCAGTCCGGCTGTTGA[CAAAA>C]TCTGTCTTCTTAAACTGAGCCTTTGGAATAAGCAAACAGAAACGTGAAAGGTAACAAAAC-3'